The following is an entry in ClinVar:

NM_032776.3(JMJD1C):c.2042T>A (p.Leu681Gln)

Gene: JMJD1C (jumonji domain containing 1C; minus strand). Cytogenetic location: 10q21.3.
Variant type: single nucleotide variant.
Coding change: c.2042T>A on transcript NM_032776.3 (MANE Select); coding-DNA position 2042, T replaced by A.
Protein change: p.Leu681Gln; replaces leucine 681 with glutamine.
Molecular consequence: missense variant. On other transcripts: non-coding transcript variant (1).
Genome position (GRCh38, 1-based): chr10:63,214,125, A>T on the plus strand (T>A on the coding strand, the complement: JMJD1C is on the minus strand). VCF-style: chr10-63214125-A-T. GRCh37 (hg19) VCF-style: chr10-64973885-A-T.
Other names: c.1496T>A, p.Leu499Gln (NM_001282948.2, NM_001318154.2); c.1178T>A, p.Leu393Gln (NM_001318153.2); c.1928T>A, p.Leu643Gln (NM_001322252.2); c.1385T>A, p.Leu462Gln (NM_001322254.2, NM_001322258.2); c.2042T>A (NM_032776.1); short protein forms L499Q, L393Q, L643Q, L681Q, L462Q.
Identifiers: ClinVar variation 934960 (VCV000934960.11), dbSNP rs1204316263, ClinGen allele CA377046820.

ClinVar aggregate classification (germline): Uncertain significance. Review status: criteria provided, multiple submitters, no conflicts (2 of 4 stars). 2 submissions from 2 submitters: Uncertain significance (2). Last evaluated 2022-07-19.

Conditions:
Early Myoclonic Encephalopathy. Identifiers: MedGen C0270855.

Allele frequency attached by ClinVar (database versions not stated): gnomAD exomes 0.00001; TOPMed 0.00001; gnomAD 0.00002.
gnomAD v4.1: 20 of 1,614,122 alleles (0.0012%); highest among the groups gnomAD compares: Middle Eastern, 0.016%; no homozygotes.

Submissions (2):

Labcorp Genetics (formerly Invitae), Labcorp
Classification: Uncertain significance for Early Myoclonic Encephalopathy. Last evaluated: 2022-07-19. Review status: criteria provided, single submitter. Criteria: Invitae Variant Classification Sherloc (09022015). Collection method: clinical testing. Allele origin: germline.
Comment: This sequence change replaces leucine, which is neutral and non-polar, with glutamine, which is neutral and polar, at codon 681 of the JMJD1C protein (p.Leu681Gln). This variant is present in population databases (no rsID available, gnomAD 0.01%). In summary, the available evidence is currently insufficient to determine the role of this variant in disease. Therefore, it has been classified as a Variant of Uncertain Significance. Algorithms developed to predict the effect of missense changes on protein structure and function are either unavailable or do not agree on the potential impact of this missense change (SIFT: "Deleterious"; PolyPhen-2: "Possibly Damaging"; Align-GVGD: "Class C0"). ClinVar contains an entry for this variant (Variation ID: 934960). This variant has not been reported in the literature in individuals affected with JMJD1C-related conditions.

Revvity Omics, Revvity
Classification: Uncertain significance. Last evaluated: 2021-02-09. Review status: criteria provided, single submitter. Criteria: ACMG Guidelines, 2015. Collection method: clinical testing. Allele origin: germline.